The following is an entry in ClinVar:

NM_015443.4(KANSL1):c.887G>A (p.Ser296Asn)

Gene: KANSL1 (KAT8 regulatory NSL complex subunit 1). Cytogenetic location: 17q21.31.
Variant type: single nucleotide variant.
Coding change: c.887G>A on transcript NM_015443.4 (MANE Select); coding-DNA position 887, G replaced by A.
Protein change: p.Ser296Asn; replaces serine 296 with asparagine.
Molecular consequence: missense variant.
Genome position (GRCh38, 1-based): chr17:46,171,257, C>T on the plus strand (G>A on the coding strand, the complement: KANSL1 is on the minus strand). VCF-style: chr17-46171257-C-T. GRCh37 (hg19) VCF-style: chr17-44248623-C-T.
Other names: c.887G>A, p.Ser296Asn (NM_001193465.2, NM_001193466.2, NM_001379198.1); short protein forms S296N.
Identifiers: ClinVar variation 843160 (VCV000843160.6), dbSNP rs1435339492, ClinGen allele CA399980334.
Genomic context (GRCh38, chr17:46,171,257, plus strand): 5'-TGCCTCTCAACCTGCTTGGCTTGCACAACCTGTAAGCGCTTTTGTAATCTGCGGGCACGG[C>T]TCTCAATGTCAGCCTGTCGCCGCAGTAAAGCTGTTATCCTTGTGTCAGAATCTAAAGCAC-3'
Protein context (NP_056258.1, residues 286-306): ALLRRQADIE[Ser296Asn]RARRLQKRLQ

ClinVar aggregate classification (germline): Uncertain significance. Review status: criteria provided, multiple submitters, no conflicts (2 of 4 stars). 2 submissions from 2 submitters: Uncertain significance (2). Last evaluated 2024-10-23.

Conditions:
Koolen-de Vries syndrome (KDVS). Identifiers: Orphanet 96169, MedGen C1864871, MONDO:0012496, OMIM 610443.

Allele frequency attached by ClinVar (database versions not stated): gnomAD exomes 0.00001.
gnomAD v4.1: 6 of 1,614,136 alleles (0.00037%); highest among the groups gnomAD compares: Non-Finnish European, 0.00051%; no homozygotes.

Submissions (2):

Labcorp Genetics (formerly Invitae), Labcorp
Classification: Uncertain significance for Koolen-de Vries syndrome. Last evaluated: 2024-10-23. Review status: criteria provided, single submitter. Criteria: Invitae Variant Classification Sherloc (09022015). Collection method: clinical testing. Allele origin: germline.
Comment: Due to the possible presence of a polymorphic segmental duplication, the location of the variant could not be unambiguously resolved. Variants with ambiguous mapping are still reported relative to the KANSL1 transcript. This sequence change replaces serine, which is neutral and polar, with asparagine, which is neutral and polar, at codon 296 of the KANSL1 protein (p.Ser296Asn). The frequency data for this variant in the population databases (gnomAD) is considered unreliable due to the presence of homologous sequence, such as pseudogenes or paralogs, in the genome. This variant has not been reported in the literature in individuals with KANSL1-related conditions. ClinVar contains an entry for this variant (Variation ID: 843160). Invitae Evidence Modeling of protein sequence and biophysical properties (such as structural, functional, and spatial information, amino acid conservation, physicochemical variation, residue mobility, and thermodynamic stability) indicates that this missense variant is not expected to disrupt KANSL1 protein function with a negative predictive value of 80%. Until the location of this sequence change can be resolved, the clinical significance of this variant remains uncertain. It has been classified as a Variant of Uncertain Significance.

Fulgent Genetics
Classification: Uncertain significance for Koolen-de Vries syndrome. Last evaluated: 2024-01-08. Review status: criteria provided, single submitter. Criteria: ACMG Guidelines, 2015. Collection method: clinical testing. Allele origin: germline.